The following is an entry in ClinVar:

ClinVar aggregate classification (germline): Uncertain significance (1 of 4 stars; one submission).

Conditions:
Hereditary cancer-predisposing syndrome. Also called: Tumor predisposition; Hereditary Cancer Syndrome; Hereditary neoplastic syndrome; Neoplastic Syndromes, Hereditary. Identifiers: Orphanet 140162, MedGen C0027672, MeSH D009386, MONDO:0015356.

Submission:

Ambry Genetics
Classification: Uncertain significance for Hereditary cancer-predisposing syndrome. Last evaluated: 2024-05-29. Review status: criteria provided, single submitter. Criteria: Ambry Variant Classification Scheme 2023. Collection method: clinical testing. Allele origin: germline.
Comment: The p.F865Y variant (also known as c.2594T>A), located in coding exon 4 of the MSH6 gene, results from a T to A substitution at nucleotide position 2594. The phenylalanine at codon 865 is replaced by tyrosine, an amino acid with highly similar properties. This amino acid position is conserved. In addition, this alteration is predicted to be deleterious by in silico analysis. Based on the available evidence, the clinical significance of this variant remains unclear.

NM_000179.3(MSH6):c.2594T>A (p.Phe865Tyr)

Gene: MSH6 (mutS homolog 6; plus strand). Cytogenetic location: 2p16.3.
Variant type: single nucleotide variant.
Coding change: c.2594T>A on transcript NM_000179.3 (MANE Select); coding-DNA position 2594, T replaced by A.
Protein change: p.Phe865Tyr; replaces phenylalanine 865 with tyrosine.
Molecular consequence: missense variant. On other transcripts: non-coding transcript variant (5), intron variant (3).
Genome position (GRCh38, 1-based): chr2:47,800,577, T>A. VCF-style: chr2-47800577-T-A. GRCh37 (hg19) VCF-style: chr2-48027716-T-A.
Other names: c.2204T>A, p.Phe735Tyr (NM_001281492.2); c.1688T>A, p.Phe563Tyr (NM_001281493.2, NM_001281494.2, NM_001406814.1 and 6 more transcripts); c.2690T>A, p.Phe897Tyr (NM_001406795.1, NM_001406802.1); c.2594T>A, p.Phe865Tyr (NM_001406796.1, NM_001406798.1, NM_001406800.1 and 2 more transcripts); c.2297T>A, p.Phe766Tyr (NM_001406797.1, NM_001406818.1, NM_001406819.1 and 10 more transcripts); c.2069T>A, p.Phe690Tyr (NM_001406799.1, NM_001406806.1, NM_001406807.1); c.2600T>A, p.Phe867Tyr (NM_001406813.1); c.2426T>A, p.Phe809Tyr (NM_001406826.1); and 4 more; short protein forms F563Y, F690Y, F865Y, F897Y, F735Y, F839Y, F766Y, F809Y.
Identifiers: ClinVar variation 3296415 (VCV003296415.1).